The following is an entry in ClinVar:

NM_007294.4(BRCA1):c.5297T>A (p.Ile1766Asn)

Gene: BRCA1 (BRCA1 DNA repair associated; minus strand). Cytogenetic location: 17q21.31.
Variant type: single nucleotide variant.
Coding change: c.5297T>A on transcript NM_007294.4 (MANE Select); coding-DNA position 5297, T replaced by A.
Protein change: p.Ile1766Asn; replaces isoleucine 1766 with asparagine.
Molecular consequence: missense variant. On other transcripts: non-coding transcript variant (1).
Genome position (GRCh38, 1-based): chr17:43,051,098, A>T on the plus strand (T>A on the coding strand, the complement: BRCA1 is on the minus strand). VCF-style: chr17-43051098-A-T. GRCh37 (hg19) VCF-style: chr17-41203115-A-T.
Other names: c.1910T>A, p.Ile637Asn (NM_001408411.1); c.1907T>A, p.Ile636Asn (NM_001408412.1, NM_001408413.1, NM_001408414.1 and 2 more transcripts); c.1871T>A, p.Ile624Asn (NM_001408418.1, NM_001408419.1, NM_001408420.1); c.1865T>A, p.Ile622Asn (NM_001408430.1, NM_001408431.1, NM_001408425.1 and 4 more transcripts); c.1862T>A, p.Ile621Asn (NM_001408432.1, NM_001408433.1, NM_001408434.1 and 10 more transcripts); c.1859T>A, p.Ile620Asn (NM_001408450.1, NM_001408445.1, NM_001408446.1 and 2 more transcripts); c.1853T>A, p.Ile618Asn (NM_001408451.1); c.1847T>A, p.Ile616Asn (NM_001408452.1, NM_001408453.1, NM_001408454.1 and 3 more transcripts); and 72 more; short protein forms I1766N, I662N, I1787N, I1719N, I1470N, I1597N, I1637N, I1638N.
Identifiers: ClinVar variation 267594 (VCV000267594.8), dbSNP rs80357463, ClinGen allele CA10590955.
Genomic context (GRCh38, chr17:43,051,098, plus strand): 5'-CTCTGGGGTTCTCCCAGGCTCTTACCTGTGGGCATGTTGGTGAAGGGCCCATAGCAACAG[A>T]TTTCTAGCCCCCTGAAGATCTGGAAGAAGAGAGGAAGAGAGAGGGACAGGGGAATGGAGA-3'
Protein context (NP_009225.1, residues 1756-1776): QDRKIFRGLE[Ile1766Asn]CCYGPFTNMP

ClinVar aggregate classification (germline): Pathogenic/Likely pathogenic. Review status: criteria provided, multiple submitters, no conflicts (2 of 4 stars). 2 submissions from 2 submitters: Pathogenic (1); Likely pathogenic (1). Last evaluated 2025-09-11.

Conditions:
Familial cancer of breast. Also called: BREAST CANCER, FAMILIAL; hereditary breast carcinoma; Hereditary breast cancer. Identifiers: Orphanet 227535, MedGen C0346153, MONDO:0016419, OMIM 114480. Disease mechanism: loss of function.
Breast-ovarian cancer, familial, susceptibility to, 1 (BROVCA1). Also called: BRCA1 Hereditary Breast and Ovarian Cancer; OVARIAN CANCER, SUSCEPTIBILITY TO. Identifiers: Orphanet 145, MedGen C2676676, MONDO:0011450, OMIM 604370. Disease mechanism: loss of function.

Submissions (3):

Department of Clinical Genetics, Copenhagen University Hospital, Rigshospitalet
Classification: Likely pathogenic for Familial cancer of breast. Last evaluated: 2025-09-11. Review status: criteria provided, single submitter. Criteria: ACMG Guidelines, 2015. Collection method: clinical testing. Allele origin: germline.
Comment: The following ACMG criteria has been used: PM2_SUP; PVS1

Consortium of Investigators of Modifiers of BRCA1/2 (CIMBA), c/o University of Cambridge
Classification: Pathogenic for Breast-ovarian cancer, familial, susceptibility to, 1. Last evaluated: 2015-10-02. Review status: criteria provided, single submitter. Criteria: CIMBA Mutation Classification guidelines May 2016. Collection method: clinical testing. Allele origin: germline.

Brotman Baty Institute, University of Washington
No classification provided (evidence only). Condition: Breast-ovarian cancer, familial 1. Review status: no classification provided. Collection method: in vitro. Allele origin: not applicable. Functional consequence: functionally_abnormal. Not counted in ClinVar's aggregate classification.
ClinVar note: "not provided" was previously submitted as the classification for the variant. However, the classification appeared to be based only on an observation of functional data so it was converted to no classification on 2025-07-30.

Literature cited by the submitters: PubMed 30209399 (cited by Department of Clinical Genetics, Copenhagen University Hospital, Rigshospitalet).